The following is an entry in ClinVar:

ClinVar aggregate classification (germline): Conflicting classifications of pathogenicity. Review status: criteria provided, conflicting classifications (1 of 4 stars). 4 submissions from 4 submitters: Uncertain significance (2); Likely benign (2). Last evaluated 2025-11-13.

Conditions:
Epilepsy, familial focal, with variable foci 3 (FFEVF3). Identifiers: MedGen C4310708, MONDO:0014925, OMIM 617118.
Inborn genetic diseases. Identifiers: MedGen C0950123, MeSH D030342.

Allele frequency attached by ClinVar (database versions not stated): TOPMed 0.00002; gnomAD 0.00003 and 0.00004; gnomAD exomes 0.00004 and 0.00001; ExAC 0.00006.
gnomAD v4.1: 26 of 1,601,844 alleles (0.0016%); highest among the groups gnomAD compares: Admixed American, 0.012%; no homozygotes.

Submissions (4):

Ambry Genetics
Classification: Likely benign for Inborn genetic diseases. Last evaluated: 2025-11-13. Review status: criteria provided, single submitter. Criteria: Ambry Variant Classification Scheme 2023. Collection method: clinical testing. Allele origin: germline.

Labcorp Genetics (formerly Invitae), Labcorp
Classification: Uncertain significance for Epilepsy, familial focal, with variable foci 3. Last evaluated: 2025-08-29. Review status: criteria provided, single submitter. Criteria: Invitae Variant Classification Sherloc (09022015). Collection method: clinical testing. Allele origin: germline.
Comment: This sequence change replaces alanine, which is neutral and non-polar, with valine, which is neutral and non-polar, at codon 172 of the NPRL3 protein (p.Ala172Val). The frequency data for this variant in the population databases is considered unreliable, as metrics indicate poor data quality at this position in the gnomAD database. This variant has not been reported in the literature in individuals affected with NPRL3-related conditions. ClinVar contains an entry for this variant (Variation ID: 840182). Invitae Evidence Modeling of protein sequence and biophysical properties (such as structural, functional, and spatial information, amino acid conservation, physicochemical variation, residue mobility, and thermodynamic stability) indicates that this missense variant is not expected to disrupt NPRL3 protein function with a negative predictive value of 80%. In summary, the available evidence is currently insufficient to determine the role of this variant in disease. Therefore, it has been classified as a Variant of Uncertain Significance.

GeneDx
Classification: Likely benign. Last evaluated: 2020-02-14. Review status: criteria provided, single submitter. Criteria: GeneDx Variant Classification Process June 2021. Collection method: clinical testing. Allele origin: germline. Affected: yes.

Mayo Clinic Laboratories, Mayo Clinic
Classification: Uncertain significance. Last evaluated: 2019-05-05. Review status: criteria provided, single submitter. Criteria: ACMG Guidelines, 2015. Collection method: clinical testing. Allele origin: germline. Observed: 1 variant allele.

NM_001077350.3(NPRL3):c.515C>T (p.Ala172Val)

Genes: HBA-LCR (alpha-globin locus control region; plus strand), NPRL3 (NPR3 like, GATOR1 complex subunit; minus strand). Cytogenetic location: 16p13.3.
Variant type: single nucleotide variant.
Coding change: c.515C>T on transcript NM_001077350.3 (MANE Select); coding-DNA position 515, C replaced by T.
Protein change: p.Ala172Val; replaces alanine 172 with valine.
Molecular consequence: missense variant. On other transcripts: 5 prime UTR variant (1).
Genome position (GRCh38, 1-based): chr16:112,654, G>A on the plus strand (C>T on the coding strand, the complement: NPRL3 is on the minus strand). VCF-style: chr16-112654-G-A. GRCh37 (hg19) VCF-style: chr16-162653-G-A.
Other names: c.-23C>T (NM_001039476.3); c.281C>T, p.Ala94Val (NM_001243247.2); c.440C>T, p.Ala147Val (NM_001243248.2, NM_001243249.2); short protein forms A147V, A94V, A172V.
Identifiers: ClinVar variation 840182 (VCV000840182.16), dbSNP rs778177582, ClinGen allele CA7769647.